The following is an entry in ClinVar:

NM_000900.5(MGP):c.170+5G>C

Gene: MGP (matrix Gla protein; minus strand). Cytogenetic location: 12p12.3.
Variant type: single nucleotide variant.
Coding change: c.170+5G>C on transcript NM_000900.5 (MANE Select); 5 bases into the intron after coding-DNA position 170, G replaced by C.
Molecular consequence: intron variant.
Genome position (GRCh38, 1-based): chr12:14,882,967, C>G on the plus strand (G>C on the coding strand, the complement: MGP is on the minus strand). VCF-style: chr12-14882967-C-G. GRCh37 (hg19) VCF-style: chr12-15035901-C-G.
Other names: c.245+5G>C (NM_001190839.3).
Identifiers: ClinVar variation 4087987 (VCV004087987.1).

ClinVar aggregate classification (germline): Uncertain significance (1 of 4 stars; one submission).

Submission:

GeneDx
Classification: Uncertain significance. Last evaluated: 2025-03-25. Review status: criteria provided, single submitter. Criteria: GeneDx Variant Classification Process June 2021. Collection method: clinical testing. Allele origin: germline. Affected: yes.
Comment: Not observed at significant frequency in large population cohorts (gnomAD); In silico analysis supports a deleterious effect on splicing; Has not been previously published as pathogenic or benign to our knowledge